The following is an entry in ClinVar:

NM_002907.4(RECQL):c.1794C>A (p.Phe598Leu)

Genes: PYROXD1 (pyridine nucleotide-disulphide oxidoreductase domain 1; plus strand), RECQL (RecQ like helicase; minus strand). Cytogenetic location: 12p12.1.
Variant type: single nucleotide variant.
Coding change: c.1794C>A on transcript NM_002907.4 (MANE Select); coding-DNA position 1794, C replaced by A.
Protein change: p.Phe598Leu; replaces phenylalanine 598 with leucine.
Molecular consequence: missense variant. On other transcripts: 3 prime UTR variant (3).
Genome position (GRCh38, 1-based): chr12:21,470,972, G>T on the plus strand (C>A on the coding strand, the complement: RECQL is on the minus strand). VCF-style: chr12-21470972-G-T. GRCh37 (hg19) VCF-style: chr12-21623906-G-T.
Other names: c.1794C>A, p.Phe598Leu (NM_032941.3); c.*2218G>T (NM_001350912.2, NM_001350913.2, NM_024854.5); short protein forms F598L.
Identifiers: ClinVar variation 1780237 (VCV001780237.2), dbSNP rs1942936991, ClinGen allele CA384114309.

ClinVar aggregate classification (germline): Uncertain significance (1 of 4 stars; one submission).

Submission:

Ambry Genetics
Classification: Uncertain significance. Last evaluated: 2022-07-31. Review status: criteria provided, single submitter. Criteria: Ambry Variant Classification Scheme 2023. Collection method: clinical testing. Allele origin: germline.
Comment: The p.F598L variant (also known as c.1794C>A), located in coding exon 13 of the RECQL gene, results from a C to A substitution at nucleotide position 1794. The phenylalanine at codon 598 is replaced by leucine, an amino acid with highly similar properties. This amino acid position is conserved. In addition, this alteration is predicted to be tolerated by in silico analysis. Since supporting evidence is limited at this time, the clinical significance of this alteration remains unclear.